The following is an entry in ClinVar:

ClinVar aggregate classification (germline): Likely benign. Review status: criteria provided, multiple submitters, no conflicts (2 of 4 stars). 2 submissions from 2 submitters: Likely benign (2). Last evaluated 2025-03-11.

Conditions:
Pheochromocytoma/paraganglioma syndrome 5. Also called: Paragangliomas 5; SDHA-Related Hereditary Paraganglioma-Pheochromocytoma Syndrome. Identifiers: Orphanet 29072, MedGen C3279992, MONDO:0013602, OMIM 614165.
Mitochondrial complex II deficiency, nuclear type 1. Also called: SUCCINATE CoQ REDUCTASE DEFICIENCY. Identifiers: Orphanet 3208, MedGen C5700310, MONDO:0100294, OMIM 252011.

Submissions (2):

Myriad Genetics, Inc.
Classification: Likely benign for Pheochromocytoma/paraganglioma syndrome 5. Last evaluated: 2025-03-11. Review status: criteria provided, single submitter. Criteria: Myriad Autosomal Dominant, Autosomal Recessive and X-Linked Classification Criteria (2023). Collection method: clinical testing. Allele origin: unknown.
Comment: This variant is considered likely benign. This variant is intronic and is not expected to impact mRNA splicing.

Labcorp Genetics (formerly Invitae), Labcorp
Classification: Likely benign for Pheochromocytoma/paraganglioma syndrome 5; Mitochondrial complex II deficiency, nuclear type 1. Last evaluated: 2022-08-16. Review status: criteria provided, single submitter. Criteria: Invitae Variant Classification Sherloc (09022015). Collection method: clinical testing. Allele origin: germline.

NM_004168.4(SDHA):c.1909-16G>A

Gene: SDHA (succinate dehydrogenase complex flavoprotein subunit A; plus strand). Cytogenetic location: 5p15.33.
Variant type: single nucleotide variant.
Coding change: c.1909-16G>A on transcript NM_004168.4 (MANE Select); 16 bases into the intron before coding-DNA position 1909, G replaced by A.
Molecular consequence: intron variant.
Genome position (GRCh38, 1-based): chr5:256,318, G>A. VCF-style: chr5-256318-G-A. GRCh37 (hg19) VCF-style: chr5-256433-G-A.
Other names: c.1666-16G>A (NM_001330758.2); c.1765-16G>A (NM_001294332.2).
Identifiers: ClinVar variation 2020872 (VCV002020872.5), dbSNP rs1737178823, ClinGen allele CA2580073137.